The following is an entry in ClinVar:

ClinVar aggregate classification (germline): Uncertain significance (1 of 4 stars; one submission).

Allele frequency attached by ClinVar (database versions not stated): gnomAD exomes below 0.00001; TOPMed 0.00001; gnomAD 0.00002.
gnomAD v4.1: 4 of 1,612,822 alleles (0.00025%); highest among the groups gnomAD compares: African/African-American, 0.0027%; no homozygotes.

Submission:

Labcorp Genetics (formerly Invitae), Labcorp
Classification: Uncertain significance. Last evaluated: 2020-03-27. Review status: criteria provided, single submitter. Criteria: Invitae Variant Classification Sherloc (09022015). Collection method: clinical testing. Allele origin: germline.
Comment: This sequence change replaces threonine with alanine at codon 810 of the AHR protein (p.Thr810Ala). The threonine residue is moderately conserved and there is a small physicochemical difference between threonine and alanine. This variant is not present in population databases (ExAC no frequency). In summary, the available evidence is currently insufficient to determine the role of this variant in disease. Therefore, it has been classified as a Variant of Uncertain Significance. Algorithms developed to predict the effect of missense changes on protein structure and function output the following: SIFT: "Tolerated"; PolyPhen-2: "Benign"; Align-GVGD: "Class C0". The alanine amino acid residue is found in multiple mammalian species, suggesting that this missense change does not adversely affect protein function. These predictions have not been confirmed by published functional studies and their clinical significance is uncertain. This variant has not been reported in the literature in individuals with AHR-related conditions.

NM_001621.5(AHR):c.2428A>G (p.Thr810Ala)

Gene: AHR (aryl hydrocarbon receptor; plus strand). Cytogenetic location: 7p21.1.
Variant type: single nucleotide variant.
Coding change: c.2428A>G on transcript NM_001621.5 (MANE Select); coding-DNA position 2428, A replaced by G.
Protein change: p.Thr810Ala; replaces threonine 810 with alanine.
Molecular consequence: missense variant.
Genome position (GRCh38, 1-based): chr7:17,342,945, A>G. VCF-style: chr7-17342945-A-G. GRCh37 (hg19) VCF-style: chr7-17382569-A-G.
Other names: short protein forms T810A.
Identifiers: ClinVar variation 1004660 (VCV001004660.8), dbSNP rs1472820752, ClinGen allele CA366897257.